The following is an entry in ClinVar:

NM_001004356.3(FGFRL1):c.938C>T (p.Ser313Leu)

Gene: FGFRL1 (fibroblast growth factor receptor like 1; plus strand). Cytogenetic location: 4p16.3.
Variant type: single nucleotide variant.
Coding change: c.938C>T on transcript NM_001004356.3 (MANE Select); coding-DNA position 938, C replaced by T.
Protein change: p.Ser313Leu; replaces serine 313 with leucine.
Molecular consequence: missense variant.
Genome position (GRCh38, 1-based): chr4:1,024,530, C>T. VCF-style: chr4-1024530-C-T. GRCh37 (hg19) VCF-style: chr4-1018318-C-T.
Other names: c.938C>T, p.Ser313Leu (NM_001004358.1, NM_001370296.1, NM_021923.3); short protein forms S313L.
Identifiers: ClinVar variation 2061770 (VCV002061770.5), dbSNP rs200863947, ClinGen allele CA2802915.
Genomic context (GRCh38, chr4:1,024,530, plus strand): 5'-ACTCCACCATCGATGTGGGCGGCCAGAAGTTTGTGGTGCTGCCCACGGGTGACGTGTGGT[C>T]GCGGCCCGACGGCTCCTACCTCAATAAGCTGCTCATCACCCGTGCCCGCCAGGACGATGC-3'
Protein context (NP_001004356.1, residues 303-323): FVVLPTGDVW[Ser313Leu]RPDGSYLNKL

ClinVar aggregate classification (germline): Uncertain significance. Review status: criteria provided, multiple submitters, no conflicts (2 of 4 stars). 2 submissions from 2 submitters: Uncertain significance (2). Last evaluated 2024-07-16.

Allele frequency attached by ClinVar (database versions not stated): TOPMed 0.00005; gnomAD 0.00011; 1000 Genomes Project 0.00020; ExAC 0.00014; gnomAD exomes 0.00015; 1000 Genomes Project 30x 0.00016.
gnomAD v4.1: 223 of 1,612,456 alleles (0.014%); highest among the groups gnomAD compares: Non-Finnish European, 0.018%; no homozygotes.

Submissions (2):

Labcorp Genetics (formerly Invitae), Labcorp
Classification: Uncertain significance. Last evaluated: 2024-07-16. Review status: criteria provided, single submitter. Criteria: Invitae Variant Classification Sherloc (09022015). Collection method: clinical testing. Allele origin: germline.
Comment: This sequence change replaces serine, which is neutral and polar, with leucine, which is neutral and non-polar, at codon 313 of the FGFRL1 protein (p.Ser313Leu). This variant is present in population databases (rs200863947, gnomAD 0.02%). This variant has not been reported in the literature in individuals affected with FGFRL1-related conditions. ClinVar contains an entry for this variant (Variation ID: 2061770). An algorithm developed to predict the effect of missense changes on protein structure and function (PolyPhen-2) suggests that this variant is likely to be disruptive. In summary, the available evidence is currently insufficient to determine the role of this variant in disease. Therefore, it has been classified as a Variant of Uncertain Significance.

Ambry Genetics
Classification: Uncertain significance. Last evaluated: 2022-05-25. Review status: criteria provided, single submitter. Criteria: Ambry Variant Classification Scheme 2023. Collection method: clinical testing. Allele origin: germline.